The following is an entry in ClinVar:

NM_001035.3(RYR2):c.2507A>G (p.His836Arg)

Gene: RYR2 (ryanodine receptor 2; plus strand). Cytogenetic location: 1q43.
Variant type: single nucleotide variant.
Coding change: c.2507A>G on transcript NM_001035.3 (MANE Select); coding-DNA position 2507, A replaced by G.
Protein change: p.His836Arg; replaces histidine 836 with arginine.
Molecular consequence: missense variant.
Genome position (GRCh38, 1-based): chr1:237,503,399, A>G. VCF-style: chr1-237503399-A-G. GRCh37 (hg19) VCF-style: chr1-237666699-A-G.
Other names: p.H836R:CAC>CGC; c.2507A>G, p.His836Arg (LRG_402t1); short protein forms H836R.
Identifiers: ClinVar variation 201230 (VCV000201230.2), dbSNP rs76474894, ClinGen allele CA008872.
Genomic context (GRCh38, chr1:237,503,399, plus strand): 5'-CACCTGGGTATGCTCCTTGTTATGAAGCTGTTCTGCCAAAAGAAAAGTTGAAAGTGGAAC[A>G]CAGCCGAGAGTACAAGCAAGAAAGAACTTACACACGCGACCTGCTGGGCCCCACAGTTTC-3'
Protein context (NP_001026.2, residues 826-846): VLPKEKLKVE[His836Arg]SREYKQERTY

ClinVar aggregate classification (germline): Uncertain significance (1 of 4 stars; one submission).

Allele frequency attached by ClinVar (database versions not stated): gnomAD exomes below 0.00001.
gnomAD v4.1: 1 of 1,613,964 alleles (0.000062%); highest among the groups gnomAD compares: South Asian, 0.0011%; no homozygotes.

Submission:

GeneDx
Classification: Uncertain significance. Last evaluated: 2014-05-20. Review status: criteria provided, single submitter. Criteria: GeneDx Variant Classification (06012015). Collection method: clinical testing. Allele origin: germline. Affected: yes.
Comment: p.His836Arg (CAC>CGC): c.2507 A>G in exon 22 of the RYR2 gene (NM_001035.2). The H836R variant has not been published as a mutation, nor has it been reported as a benign polymorphism to our knowledge. The H836R variant was not observed in approximately 6,000 individuals of European and African American ancestry in the NHLBI Exome Sequencing Project, indicating it is not a common benign variant in these populations. The H836R variant is a conservative amino acid substitution, which is not likely to impact secondary protein structure as these residues share similar properties. However, this substitution occurs at a position that is conserved across species. Nevertheless, in silico analysis is inconsistent in its predictions as to whether or not the variant is damaging to the protein structure/function. Furthermore, no mutations affecting nearby residues have been reported in the RYR2 gene in association with CPVT, indicating this region of the protein may be tolerant of change. Therefore, based on the currently available information, it is unclear whether this variant is a pathogenic mutation or a rare benign variant. Approximately 50% of patients with autosomal dominant CPVT have been reported to have a mutation in the RYR2 gene, while mutations in the RYR2 gene associated with ARVC are rare (McNally E et al., 2009; Napolitano C et al., 2012). The variant is found in CARDIOMYOPATHY panel(s).